The following is an entry in ClinVar:

ClinVar aggregate classification (germline): Uncertain significance (1 of 4 stars; one submission).

Conditions:
Ichthyosis linearis circumflexa. Identifiers: MedGen C0265962, MONDO:0043106, HP:0025810.

Submission:

Labcorp Genetics (formerly Invitae), Labcorp
Classification: Uncertain significance for Ichthyosis linearis circumflexa. Last evaluated: 2021-07-21. Review status: criteria provided, single submitter. Criteria: Invitae Variant Classification Sherloc (09022015). Collection method: clinical testing. Allele origin: germline.
Comment: In summary, the available evidence is currently insufficient to determine the role of this variant in disease. Therefore, it has been classified as a Variant of Uncertain Significance. Algorithms developed to predict the effect of missense changes on protein structure and function are either unavailable or do not agree on the potential impact of this missense change (SIFT: "Deleterious"; PolyPhen-2: "Probably Damaging"; Align-GVGD: "Class C0"). This variant has not been reported in the literature in individuals affected with SPINK5-related conditions. This variant is not present in population databases (ExAC no frequency). This sequence change replaces tyrosine with serine at codon 570 of the SPINK5 protein (p.Tyr570Ser). The tyrosine residue is highly conserved and there is a large physicochemical difference between tyrosine and serine.

NM_006846.4(SPINK5):c.1709A>C (p.Tyr570Ser)

Gene: SPINK5 (serine peptidase inhibitor Kazal type 5; plus strand). Cytogenetic location: 5q32.
Variant type: single nucleotide variant.
Coding change: c.1709A>C on transcript NM_006846.4 (MANE Select); coding-DNA position 1709, A replaced by C.
Protein change: p.Tyr570Ser; replaces tyrosine 570 with serine.
Molecular consequence: missense variant.
Genome position (GRCh38, 1-based): chr5:148,111,784, A>C. VCF-style: chr5-148111784-A-C. GRCh37 (hg19) VCF-style: chr5-147491347-A-C.
Other names: c.1709A>C, p.Tyr570Ser (NM_001127698.2, NM_001127699.2); short protein forms Y570S.
Identifiers: ClinVar variation 1368960 (VCV001368960.8), dbSNP rs2113157959, ClinGen allele CA361640498.